The following is an entry in ClinVar:

NM_000334.4(SCN4A):c.4472del (p.Leu1491fs)

Genes: GH-LCR (growth hormone locus control region; plus strand), SCN4A (sodium voltage-gated channel alpha subunit 4; minus strand). Cytogenetic location: 17q23.3.
Variant type: Deletion.
Coding change: c.4472del on transcript NM_000334.4 (MANE Select); coding-DNA position 4472, one base deleted (T; older notation c.4472delT).
Protein change: p.Leu1491fs; shifts the reading frame from leucine 1491.
Molecular consequence: frameshift variant.
Genome position (GRCh38, 1-based): chr17:63,941,810, A deleted on the plus strand (T on the coding strand, the reverse complement: SCN4A is on the minus strand). VCF-style (leftmost placement, unchanged base first): chr17-63941809-CA-C. GRCh37 (hg19) VCF-style: chr17-62019169-CA-C.
Other names: short protein forms L1491fs.
Identifiers: ClinVar variation 2044217 (VCV002044217.4), dbSNP rs2509285055, ClinGen allele CA2580094696.

ClinVar aggregate classification (germline): Pathogenic (1 of 4 stars; one submission).

Conditions:
Hyperkalemic periodic paralysis. Also called: Familial hyperkalemic periodic paralysis; Gamstorp disease. Identifiers: Orphanet 682, MedGen C0238357, MONDO:0008224, OMIM 170500, HP:0007215.

Submission:

Labcorp Genetics (formerly Invitae), Labcorp
Classification: Pathogenic for Hyperkalemic periodic paralysis. Last evaluated: 2022-11-08. Review status: criteria provided, single submitter. Criteria: Invitae Variant Classification Sherloc (09022015). Collection method: clinical testing. Allele origin: germline.
Comment: For these reasons, this variant has been classified as Pathogenic. This variant disrupts a region of the SCN4A protein in which other variant(s) (p.Tyr1593*) have been determined to be pathogenic (PMID: 26700687). This suggests that this is a clinically significant region of the protein, and that variants that disrupt it are likely to be disease-causing. This variant has not been reported in the literature in individuals affected with SCN4A-related conditions. This variant is not present in population databases (gnomAD no frequency). This sequence change creates a premature translational stop signal (p.Leu1491Argfs*161) in the SCN4A gene. While this is not anticipated to result in nonsense mediated decay, it is expected to disrupt the last 346 amino acid(s) of the SCN4A protein.

Literature cited by the submitters: PubMed 26700687.